The following is an entry in ClinVar:

ClinVar aggregate classification (germline): Uncertain significance (1 of 4 stars; one submission).

Allele frequency attached by ClinVar (database versions not stated): ExAC 0.00001; gnomAD exomes 0.00001; gnomAD 0.00003; ESP Exome Variant Server 0.00008.

Submission:

Labcorp Genetics (formerly Invitae), Labcorp
Classification: Uncertain significance. Last evaluated: 2025-01-11. Review status: criteria provided, single submitter. Criteria: Invitae Variant Classification Sherloc (09022015). Collection method: clinical testing. Allele origin: germline.
Comment: This sequence change replaces arginine, which is basic and polar, with histidine, which is basic and polar, at codon 226 of the RHBDF2 protein (p.Arg226His). This variant is present in population databases (rs371840546, gnomAD 0.02%). This variant has not been reported in the literature in individuals affected with RHBDF2-related conditions. ClinVar contains an entry for this variant (Variation ID: 3000513). An algorithm developed to predict the effect of missense changes on protein structure and function (PolyPhen-2) suggests that this variant is likely to be tolerated. In summary, the available evidence is currently insufficient to determine the role of this variant in disease. Therefore, it has been classified as a Variant of Uncertain Significance.

NM_001005498.4(RHBDF2):c.590G>A (p.Arg197His)

Gene: RHBDF2 (rhomboid 5 homolog 2; minus strand). Cytogenetic location: 17q25.1.
Variant type: single nucleotide variant.
Coding change: c.590G>A on transcript NM_001005498.4 (MANE Select); coding-DNA position 590, G replaced by A.
Protein change: p.Arg197His; replaces arginine 197 with histidine.
Molecular consequence: missense variant. On other transcripts: non-coding transcript variant (3).
Genome position (GRCh38, 1-based): chr17:76,478,888, C>T on the plus strand (G>A on the coding strand, the complement: RHBDF2 is on the minus strand). VCF-style: chr17-76478888-C-T. GRCh37 (hg19) VCF-style: chr17-74474970-C-T.
Other names: c.590G>A, p.Arg197His (NM_001376228.1, NM_001376229.1, NM_001376230.1); c.677G>A, p.Arg226His (NM_024599.5); short protein forms R226H, R197H.
Identifiers: ClinVar variation 3000513 (VCV003000513.3), dbSNP rs371840546, ClinGen allele CA8787308.